The following is an entry in ClinVar:

NM_000018.4(ACADVL):c.1751+14C>T

Gene: ACADVL (acyl-CoA dehydrogenase very long chain; plus strand). Cytogenetic location: 17p13.1.
Variant type: single nucleotide variant.
Coding change: c.1751+14C>T on transcript NM_000018.4 (MANE Select); 14 bases into the intron after coding-DNA position 1751, C replaced by T.
Molecular consequence: intron variant.
Genome position (GRCh38, 1-based): chr17:7,224,728, C>T. VCF-style: chr17-7224728-C-T. GRCh37 (hg19) VCF-style: chr17-7128047-C-T.
Other names: c.1820+14C>T (NM_001270447.2); c.1523+14C>T (NM_001270448.2); c.1685+14C>T (NM_001033859.3).
Identifiers: ClinVar variation 2098370 (VCV002098370.4), dbSNP rs2071396952, ClinGen allele CA2245715289.

ClinVar aggregate classification (germline): Uncertain significance (1 of 4 stars; one submission).

Conditions:
Very long chain acyl-CoA dehydrogenase deficiency (ACADVLD). Also called: VLCAD Deficiency; Very Long-Chain Acyl-Coenzyme A Dehydrogenase Deficiency. Identifiers: Orphanet 26793, MedGen C3887523, MONDO:0008723, OMIM 201475.

Submission:

Labcorp Genetics (formerly Invitae), Labcorp
Classification: Uncertain significance for Very long chain acyl-CoA dehydrogenase deficiency. Last evaluated: 2023-11-27. Review status: criteria provided, single submitter. Criteria: Invitae Variant Classification Sherloc (09022015). Collection method: clinical testing. Allele origin: germline.
Comment: This sequence change falls in intron 18 of the ACADVL gene. It does not directly change the encoded amino acid sequence of the ACADVL protein. This variant is not present in population databases (gnomAD no frequency). This variant has not been reported in the literature in individuals affected with ACADVL-related conditions. ClinVar contains an entry for this variant (Variation ID: 2098370). Algorithms developed to predict the effect of sequence changes on RNA splicing suggest that this variant may create or strengthen a splice site. In summary, the available evidence is currently insufficient to determine the role of this variant in disease. Therefore, it has been classified as a Variant of Uncertain Significance.